The following is an entry in ClinVar:

ClinVar aggregate classification (germline): Uncertain significance (1 of 4 stars; one submission).

Submission:

GeneDx
Classification: Uncertain significance. Last evaluated: 2025-08-08. Review status: criteria provided, single submitter. Criteria: GeneDx Variant Classification Process June 2021. Collection method: clinical testing. Allele origin: germline. Affected: yes.
Comment: Not observed at significant frequency in large population cohorts (gnomAD); In silico analysis supports that this missense variant has a deleterious effect on protein structure/function; Has not been previously published as pathogenic or benign to our knowledge

NM_003482.4(KMT2D):c.4441G>A (p.Gly1481Arg)

Gene: KMT2D (lysine methyltransferase 2D; minus strand). Cytogenetic location: 12q13.12.
Variant type: single nucleotide variant.
Coding change: c.4441G>A on transcript NM_003482.4 (MANE Select); coding-DNA position 4441, G replaced by A.
Protein change: p.Gly1481Arg; replaces glycine 1481 with arginine.
Molecular consequence: missense variant.
Genome position (GRCh38, 1-based): chr12:49,046,402, C>T on the plus strand (G>A on the coding strand, the complement: KMT2D is on the minus strand). VCF-style: chr12-49046402-C-T. GRCh37 (hg19) VCF-style: chr12-49440185-C-T.
Other names: short protein forms G1481R.
Identifiers: ClinVar variation 4755665 (VCV004755665.1).